The following is an entry in ClinVar:

NM_002087.4(GRN):c.128_129insCC (p.Pro44fs)

Gene: GRN (granulin precursor; plus strand). Cytogenetic location: 17q21.31.
Variant type: Insertion.
Coding change: c.128_129insCC on transcript NM_002087.4 (MANE Select); coding-DNA positions 128 to 129, CC inserted.
Protein change: p.Pro44fs; shifts the reading frame from proline 44.
Molecular consequence: frameshift variant.
Genome position: GRCh38 VCF-style: chr17-44349292-G-GCC. GRCh37 (hg19) VCF-style: chr17-42426660-G-GCC.
Other names: short protein forms P44fs.
Identifiers: ClinVar variation 2942052 (VCV002942052.3), dbSNP rs2510054318, ClinGen allele CA2740093755.

ClinVar aggregate classification (germline): Pathogenic (1 of 4 stars; one submission).

Conditions:
GRN-related frontotemporal lobar degeneration with Tdp43 inclusions (FTD2). Also called: DEMENTIA, HEREDITARY DYSPHASIC DISINHIBITION; FRONTOTEMPORAL LOBAR DEGENERATION WITH UBIQUITIN-POSITIVE INCLUSIONS; FTLD-TDP, GRN-RELATED; GRN Frontotemporal Dementia; FRONTOTEMPORAL DEMENTIA WITH TDP43 INCLUSIONS, GRN-RELATED. Identifiers: Orphanet 100070, Orphanet 282, MedGen C1843792, MONDO:0011842, OMIM 607485. Disease mechanism: loss of function.
Neuronal ceroid lipofuscinosis 11. Also called: GRN-Related Neuronal Ceroid-Lipofuscinosis. Identifiers: Orphanet 314629, Orphanet 79262, MedGen C3539123, MONDO:0013866, OMIM 614706.

Submission:

Labcorp Genetics (formerly Invitae), Labcorp
Classification: Pathogenic for Neuronal ceroid lipofuscinosis 11; GRN-related frontotemporal lobar degeneration with Tdp43 inclusions. Last evaluated: 2022-12-04. Review status: criteria provided, single submitter. Criteria: Invitae Variant Classification Sherloc (09022015). Collection method: clinical testing. Allele origin: germline.
Comment: This sequence change creates a premature translational stop signal (p.Pro44Leufs*11) in the GRN gene. It is expected to result in an absent or disrupted protein product. Loss-of-function variants in GRN are known to be pathogenic (PMID: 16862116, 16950801, 22608501). This variant is not present in population databases (gnomAD no frequency). This variant has not been reported in the literature in individuals affected with GRN-related conditions. For these reasons, this variant has been classified as Pathogenic.

Literature cited by the submitters: PubMed 16862116; PubMed 16950801; PubMed 22608501.